The following is an entry in ClinVar:

ClinVar aggregate classification (germline): Uncertain significance (1 of 4 stars; one submission).

Conditions:
Leigh syndrome (NULS). Also called: Leigh's necrotizing encephalopathy; Leigh's disease; Leigh's syndrome; LEIGH SYNDROME, NUCLEAR; Leigh Syndrome (mtDNA deletion); Leigh Disease. Identifiers: Orphanet 506, MedGen C2931891, MONDO:0009723, OMIM 256000.

Submission:

Wong Mito Lab, Molecular and Human Genetics, Baylor College of Medicine
Classification: Uncertain significance for Leigh syndrome. Last evaluated: 2019-10-17. Review status: criteria provided, single submitter. Criteria: Modified ACMG Guidelines (Unpublished). Collection method: clinical testing. Allele origin: germline.
Comment: The NC_012920.1:m.15639T>C (YP_003024038.1:p.Ile298Thr) variant in MTCYB gene is interpretated to be a Uncertain Significance variant based on the modified ACMG guidelines (unpublished). This variant meets the following evidence codes: no criteria

NC_012920.1(MT-CYB):m.15639T>C

Gene: MT-CYB (mitochondrially encoded cytochrome b; plus strand).
Variant type: single nucleotide variant.
Genome position: chrM-15639-T-C.
Identifiers: ClinVar variation 693918 (VCV000693918.1), dbSNP rs1603225396, ClinGen allele CA913174427.
Genomic context (GRCh38, chrMT:15,639, plus strand): 5'-ACACAATTCTCCGATCCGTCCCTAACAAACTAGGAGGCGTCCTTGCCCTATTACTATCCA[T>C]CCTCATCCTAGCAATAATCCCCATCCTCCATATATCCAAACAACAAAGCATAATATTTCG-3'